The following is an entry in ClinVar:

ClinVar aggregate classification (germline): Uncertain significance. Review status: criteria provided, multiple submitters, no conflicts (2 of 4 stars). 2 submissions from 2 submitters: Uncertain significance (2). Last evaluated 2024-06-03.

Conditions:
Familial adenomatous polyposis 1 (FAP1). Also called: FAMILIAL ADENOMATOUS POLYPOSIS 1, ATTENUATED; POLYPOSIS, ADENOMATOUS INTESTINAL. Identifiers: MedGen C2713442, MONDO:0021056, OMIM 175100. Disease mechanism: loss of function.
Hereditary cancer-predisposing syndrome. Also called: Tumor predisposition; Neoplastic Syndromes, Hereditary; Hereditary neoplastic syndrome; Hereditary Cancer Syndrome. Identifiers: Orphanet 140162, MedGen C0027672, MeSH D009386, MONDO:0015356.

Submissions (2):

Labcorp Genetics (formerly Invitae), Labcorp
Classification: Uncertain significance for Familial adenomatous polyposis 1. Last evaluated: 2024-06-03. Review status: criteria provided, single submitter. Criteria: Invitae Variant Classification Sherloc (09022015). Collection method: clinical testing. Allele origin: germline.
Comment: This sequence change replaces serine, which is neutral and polar, with glycine, which is neutral and non-polar, at codon 2197 of the APC protein (p.Ser2197Gly). This variant is not present in population databases (gnomAD no frequency). This variant has not been reported in the literature in individuals affected with APC-related conditions. ClinVar contains an entry for this variant (Variation ID: 849513). Advanced modeling of protein sequence and biophysical properties (such as structural, functional, and spatial information, amino acid conservation, physicochemical variation, residue mobility, and thermodynamic stability) performed at Invitae indicates that this missense variant is not expected to disrupt APC protein function with a negative predictive value of 95%. In summary, the available evidence is currently insufficient to determine the role of this variant in disease. Therefore, it has been classified as a Variant of Uncertain Significance.

Ambry Genetics
Classification: Uncertain significance for Hereditary cancer-predisposing syndrome. Last evaluated: 2022-07-11. Review status: criteria provided, single submitter. Criteria: Ambry Variant Classification Scheme 2023. Collection method: clinical testing. Allele origin: germline.
Comment: The p.S2197G variant (also known as c.6589A>G), located in coding exon 15 of the APC gene, results from an A to G substitution at nucleotide position 6589. The serine at codon 2197 is replaced by glycine, an amino acid with similar properties. This amino acid position is conserved. In addition, in silico predictors for this gene do not accurately predict pathogenicity. Since supporting evidence is limited at this time, the clinical significance of this alteration remains unclear.

NM_000038.6(APC):c.6589A>G (p.Ser2197Gly)

Gene: APC (APC regulator of Wnt signaling pathway; plus strand). Cytogenetic location: 5q22.2.
Variant type: single nucleotide variant.
Coding change: c.6589A>G on transcript NM_000038.6 (MANE Select); coding-DNA position 6589, A replaced by G.
Protein change: p.Ser2197Gly; replaces serine 2197 with glycine.
Molecular consequence: missense variant.
Genome position (GRCh38, 1-based): chr5:112,842,183, A>G. VCF-style: chr5-112842183-A-G. GRCh37 (hg19) VCF-style: chr5-112177880-A-G.
Other names: c.6589A>G, p.Ser2197Gly (NM_001127510.3, NM_001354895.2); c.6535A>G, p.Ser2179Gly (NM_001127511.3); c.6643A>G, p.Ser2215Gly (NM_001354896.2); c.6619A>G, p.Ser2207Gly (NM_001354897.2); c.6514A>G, p.Ser2172Gly (NM_001354898.2); c.6505A>G, p.Ser2169Gly (NM_001354899.2); c.6466A>G, p.Ser2156Gly (NM_001354900.2); c.6412A>G, p.Ser2138Gly (NM_001354901.2); and 5 more; short protein forms S1914G, S2071G, S2156G, S2207G, S2037G, S2169G, S2106G, S2138G.
Identifiers: ClinVar variation 849513 (VCV000849513.13), dbSNP rs1766255210, ClinGen allele CA16035748.
Genomic context (GRCh38, chr5:112,842,183, plus strand): 5'-GAAACTAAAAAGATAGAATCTGAAAGTAAAGGAATCAAAGGAGGAAAAAAAGTTTATAAA[A>G]GTTTGATTACTGGAAAAGTTCGATCTAATTCAGAAATTTCAGGCCAAATGAAACAGCCCC-3'
Protein context (NP_000029.2, residues 2187-2207): GIKGGKKVYK[Ser2197Gly]LITGKVRSNS